The following is an entry in ClinVar:

ClinVar aggregate classification (germline): Uncertain significance (1 of 4 stars; one submission).

Submission:

Labcorp Genetics (formerly Invitae), Labcorp
Classification: Uncertain significance. Last evaluated: 2024-10-07. Review status: criteria provided, single submitter. Criteria: Invitae Variant Classification Sherloc (09022015). Collection method: clinical testing. Allele origin: germline.
Comment: This sequence change creates a premature translational stop signal (p.Gly352Alafs*19) in the ESR2 gene. It is expected to result in an absent or disrupted protein product. However, the current clinical and genetic evidence is not sufficient to establish whether loss-of-function variants in ESR2 cause disease. This variant is not present in population databases (gnomAD no frequency). This variant has not been reported in the literature in individuals affected with ESR2-related conditions. In summary, the available evidence is currently insufficient to determine the role of this variant in disease. Therefore, it has been classified as a Variant of Uncertain Significance.

NM_001437.3(ESR2):c.1053del (p.Gly352fs)

Gene: ESR2 (estrogen receptor 2; minus strand). Cytogenetic location: 14q23.2.
Variant type: Deletion.
Coding change: c.1053del on transcript NM_001437.3 (MANE Select); coding-DNA position 1053, one base deleted (C; older notation c.1053delC).
Protein change: p.Gly352fs; shifts the reading frame from glycine 352.
Molecular consequence: frameshift variant. On other transcripts: non-coding transcript variant (1), intron variant (1).
Genome position (GRCh38, 1-based): chr14:64,257,264, G deleted on the plus strand (C on the coding strand, the reverse complement: ESR2 is on the minus strand); the first of 4 consecutive G bases (chr14:64,257,264-64,257,267); deleting any one gives the same sequence. VCF-style (leftmost placement, unchanged base first): chr14-64257263-CG-C. GRCh37 (hg19) VCF-style: chr14-64723981-CG-C.
Other names: c.1053del, p.Gly352fs (NM_001040275.1, NM_001214902.1, NM_001271876.1 and 2 more transcripts); c.952+3185del (NM_001271877.1); short protein forms G352fs.
Identifiers: ClinVar variation 3649513 (VCV003649513.2).